The following is an entry in ClinVar:

ClinVar aggregate classification (germline): Pathogenic (1 of 4 stars; one submission).

Submission:

Dasa
Classification: Pathogenic. Last evaluated: 2024-06-03. Review status: criteria provided, single submitter. Criteria: DASA Assertion Criteria. Collection method: clinical testing. Allele origin: germline.
Comment: NM_007254.4(PNKP):c.1302del (p.Tyr434*) introduces a premature termination codon predicted to result in loss of normal protein function. Loss-of-function is an established mechanism of disease for this gene. Based on the available data, this variant is classified as pathogenic.

NM_007254.4(PNKP):c.1302del (p.Arg433_Tyr434insTer)

Gene: PNKP (polynucleotide kinase 3'-phosphatase; minus strand). Cytogenetic location: 19q13.33.
Variant type: Deletion.
Coding change: c.1302del on transcript NM_007254.4 (MANE Select); coding-DNA position 1302, one base deleted (C; older notation c.1302delC).
Protein change: p.Arg433_Tyr434insTer.
Molecular consequence: nonsense.
Genome position (GRCh38, 1-based): chr19:49,861,692, G deleted on the plus strand (C on the coding strand, the reverse complement: PNKP is on the minus strand). VCF-style (leftmost placement, unchanged base first): chr19-49861691-CG-C. GRCh37 (hg19) VCF-style: chr19-50364948-CG-C.
Identifiers: ClinVar variation 4851851 (VCV004851851.1).
Genomic context (GRCh38, chr19:49,861,691, plus strand): 5'-CCAGAGTGGCGGTGAAGAGGAAGCAGCGGCAGGGGACGCCCGCGGCTCGGGCACACTGGA[CG>C]TACCTGTGGGGGAAGGAGCTGGATGTGCAGGCCCCGCCCACCCCGCCGCAGGCCACCTAC-3'